The following is an entry in ClinVar:

NM_000160.5(GCGR):c.1256G>A (p.Arg419His)

Gene: GCGR (glucagon receptor; plus strand). Cytogenetic location: 17q25.3.
Variant type: single nucleotide variant.
Coding change: c.1256G>A on transcript NM_000160.5 (MANE Select); coding-DNA position 1256, G replaced by A.
Protein change: p.Arg419His; replaces arginine 419 with histidine.
Molecular consequence: missense variant.
Genome position (GRCh38, 1-based): chr17:81,813,511, G>A. VCF-style: chr17-81813511-G-A. GRCh37 (hg19) VCF-style: chr17-79771387-G-A.
Other names: short protein forms R419H.
Identifiers: ClinVar variation 1938821 (VCV001938821.5), dbSNP rs769673542, ClinGen allele CA8842229.

ClinVar aggregate classification (germline): Uncertain significance (1 of 4 stars; one submission).

gnomAD v4.1: 19 of 1,535,672 alleles (0.0012%); highest among the groups gnomAD compares: South Asian, 0.0071%; no homozygotes.

Submission:

Labcorp Genetics (formerly Invitae), Labcorp
Classification: Uncertain significance. Last evaluated: 2024-10-16. Review status: criteria provided, single submitter. Criteria: Invitae Variant Classification Sherloc (09022015). Collection method: clinical testing. Allele origin: germline.
Comment: This sequence change replaces arginine, which is basic and polar, with histidine, which is basic and polar, at codon 419 of the GCGR protein (p.Arg419His). This variant is present in population databases (rs769673542, gnomAD 0.004%). This variant has not been reported in the literature in individuals affected with GCGR-related conditions. ClinVar contains an entry for this variant (Variation ID: 1938821). An algorithm developed to predict the effect of missense changes on protein structure and function outputs the following: PolyPhen-2: "Benign". The histidine amino acid residue is found in multiple mammalian species, which suggests that this missense change does not adversely affect protein function. In summary, the available evidence is currently insufficient to determine the role of this variant in disease. Therefore, it has been classified as a Variant of Uncertain Significance.